The following is an entry in ClinVar:

ClinVar aggregate classification (germline): Uncertain significance (1 of 4 stars; one submission).

Allele frequency attached by ClinVar (database versions not stated): TOPMed below 0.00001; gnomAD 0.00001; gnomAD exomes 0.00001.

Submission:

Labcorp Genetics (formerly Invitae), Labcorp
Classification: Uncertain significance. Last evaluated: 2022-04-12. Review status: criteria provided, single submitter. Criteria: Invitae Variant Classification Sherloc (09022015). Collection method: clinical testing. Allele origin: germline.
Comment: In summary, the available evidence is currently insufficient to determine the role of this variant in disease. Therefore, it has been classified as a Variant of Uncertain Significance. Variants that disrupt the consensus splice site are a relatively common cause of aberrant splicing (PMID: 17576681, 9536098). Algorithms developed to predict the effect of sequence changes on RNA splicing suggest that this variant may disrupt the consensus splice site. This variant has not been reported in the literature in individuals affected with DONSON-related conditions. This variant is not present in population databases (gnomAD no frequency). This sequence change falls in intron 2 of the DONSON gene. It does not directly change the encoded amino acid sequence of the DONSON protein. It affects a nucleotide within the consensus splice site.

Literature cited by the submitters: PubMed 17576681; PubMed 9536098.

NM_017613.4(DONSON):c.402+4A>G

Gene: DONSON (DNA replication fork stabilization factor DONSON; minus strand). Cytogenetic location: 21q22.11.
Variant type: single nucleotide variant.
Coding change: c.402+4A>G on transcript NM_017613.4 (MANE Select); 4 bases into the intron after coding-DNA position 402, A replaced by G.
Molecular consequence: intron variant.
Genome position (GRCh38, 1-based): chr21:33,587,518, T>C on the plus strand (A>G on the coding strand, the complement: DONSON is on the minus strand). VCF-style: chr21-33587518-T-C. GRCh37 (hg19) VCF-style: chr21-34959824-T-C.
Identifiers: ClinVar variation 1948048 (VCV001948048.5), dbSNP rs2086591674, ClinGen allele CA1021956018.